The following is an entry in ClinVar:

NM_000143.4(FH):c.224del (p.Ser75fs)

Gene: FH (fumarate hydratase; minus strand). Cytogenetic location: 1q43.
Variant type: Deletion.
Coding change: c.224del on transcript NM_000143.4 (MANE Select); coding-DNA position 224, one base deleted (C; older notation c.224delC).
Protein change: p.Ser75fs; shifts the reading frame from serine 75.
Molecular consequence: frameshift variant.
Genome position (GRCh38, 1-based): chr1:241,517,225, G deleted on the plus strand (C on the coding strand, the reverse complement: FH is on the minus strand). VCF-style (leftmost placement, unchanged base first): chr1-241517224-AG-A. GRCh37 (hg19) VCF-style: chr1-241680524-AG-A.
Other names: short protein forms S75fs.
Identifiers: ClinVar variation 933195 (VCV000933195.1), dbSNP rs1660242061, ClinGen allele CA1139656709.

ClinVar aggregate classification (germline): Likely pathogenic (1 of 4 stars; one submission).

Conditions:
Hereditary leiomyomatosis and renal cell cancer. Also called: LEIOMYOMA, MULTIPLE CUTANEOUS; Familial leiomyomatosis; MULTIPLE CUTANEOUS AND UTERINE LEIOMYOMATA 1, WITH OR WITHOUT RENAL CELL CARCINOMA; Multiple cutaneous leiomyomas; FH tumor predisposition syndrome; Reed syndrome. Identifiers: Orphanet 523, MedGen C1708350, MONDO:0007888, OMIM 150800, HP:0007437. Disease mechanism: loss of function.

Submission:

Women's Health and Genetics/Laboratory Corporation of America, LabCorp
Classification: Likely pathogenic for Hereditary leiomyomatosis and renal cell cancer. Last evaluated: 2020-06-16. Review status: criteria provided, single submitter. Criteria: LabCorp Variant Classification Summary - May 2015. Collection method: clinical testing. Allele origin: germline.
Comment: Variant summary: FH c.224delC (p.Ser75LeufsX3) results in a premature termination codon, predicted to cause a truncation of the encoded protein or absence of the protein due to nonsense mediated decay, which are commonly known mechanisms for disease. The variant was absent in 251456 control chromosomes (gnomAD). To our knowledge, no occurrence of c.224delC in individuals affected with Hereditary Leiomyomatosis and Renal Cell Cancer and no experimental evidence demonstrating its impact on protein function have been reported. No clinical diagnostic laboratories have submitted clinical-significance assessments for this variant to ClinVar after 2014. Based on the evidence outlined above, the variant was classified as likely pathogenic.